The following is an entry in ClinVar:

ClinVar aggregate classification (germline): Likely benign. Review status: criteria provided, single submitter (1 of 4 stars). 2 submissions from 2 submitters: Likely benign (1). 1 of the submissions does not count toward it. Last evaluated 2024-06-15.

Conditions:
UNC80-related disorder. Also called: UNC80-related condition.

Allele frequency attached by ClinVar (database versions not stated): gnomAD 0.00001; gnomAD exomes 0.00001; TOPMed 0.00001.
gnomAD v4.1: 14 of 1,526,112 alleles (0.00092%); highest among the groups gnomAD compares: Middle Eastern, 0.057%; no homozygotes.

Submissions (2):

Labcorp Genetics (formerly Invitae), Labcorp
Classification: Likely benign. Last evaluated: 2024-06-15. Review status: criteria provided, single submitter. Criteria: Invitae Variant Classification Sherloc (09022015). Collection method: clinical testing. Allele origin: germline.

PreventionGenetics, part of Exact Sciences
Classification: Likely benign for UNC80-related condition. Last evaluated: 2023-05-10. Review status: no assertion criteria provided. Collection method: clinical testing. Allele origin: germline. Not counted in ClinVar's aggregate classification.
Comment: This variant is classified as likely benign based on ACMG/AMP sequence variant interpretation guidelines (Richards et al. 2015 PMID: 25741868, with internal and published modifications).

NM_001371986.1(UNC80):c.6915+7A>G

Gene: UNC80 (unc-80 subunit of NALCN channel complex; plus strand). Cytogenetic location: 2q34.
Variant type: single nucleotide variant.
Coding change: c.6915+7A>G on transcript NM_001371986.1 (MANE Select); 7 bases into the intron after coding-DNA position 6915, A replaced by G.
Molecular consequence: intron variant.
Genome position (GRCh38, 1-based): chr2:209,941,496, A>G. VCF-style: chr2-209941496-A-G. GRCh37 (hg19) VCF-style: chr2-210806220-A-G.
Other names: c.6717+7A>G (NM_032504.1, NM_032504.2); c.6702+7A>G (NM_182587.4).
Identifiers: ClinVar variation 2993616 (VCV002993616.5), dbSNP rs1369864893, ClinGen allele CA539323951.